The following is an entry in ClinVar:

NM_014989.7(RIMS1):c.1748A>G (p.His583Arg)

Gene: RIMS1 (regulating synaptic membrane exocytosis 1; plus strand). Cytogenetic location: 6q13.
Variant type: single nucleotide variant.
Coding change: c.1748A>G on transcript NM_014989.7 (MANE Select); coding-DNA position 1748, A replaced by G.
Protein change: p.His583Arg; replaces histidine 583 with arginine.
Molecular consequence: missense variant. On other transcripts: 5 prime UTR variant (9).
Genome position (GRCh38, 1-based): chr6:72,235,619, A>G. VCF-style: chr6-72235619-A-G. GRCh37 (hg19) VCF-style: chr6-72945322-A-G.
Other names: c.170A>G, p.His57Arg (NM_001168407.2, NM_001168408.2, NM_001350414.2 and 37 more transcripts); c.-74A>G (NM_001168409.2, NM_001350461.2, NM_001350463.2 and 6 more transcripts); c.125A>G, p.His42Arg (NM_001168410.2, NM_001350470.2, NM_001350472.2 and 2 more transcripts); c.101A>G, p.His34Arg (NM_001350421.2, NM_001350424.2, NM_001350428.2 and 6 more transcripts); short protein forms H34R, H42R, H57R, H583R.
Identifiers: ClinVar variation 968019 (VCV000968019.9), dbSNP rs371482102, ClinGen allele CA3885807.

ClinVar aggregate classification (germline): Uncertain significance (1 of 4 stars; one submission).

Allele frequency attached by ClinVar (database versions not stated): TOPMed 0.00001; gnomAD exomes 0.00002; ExAC 0.00003; gnomAD 0.00003; ESP Exome Variant Server 0.00008.
gnomAD v4.1: 57 of 1,602,094 alleles (0.0036%); highest among the groups gnomAD compares: Non-Finnish European, 0.0047%; no homozygotes.

Submission:

Labcorp Genetics (formerly Invitae), Labcorp
Classification: Uncertain significance. Last evaluated: 2025-10-08. Review status: criteria provided, single submitter. Criteria: Invitae Variant Classification Sherloc (09022015). Collection method: clinical testing. Allele origin: germline.
Comment: This sequence change replaces histidine, which is basic and polar, with arginine, which is basic and polar, at codon 583 of the RIMS1 protein (p.His583Arg). This variant is present in population databases (rs371482102, gnomAD 0.005%). This variant has not been reported in the literature in individuals affected with RIMS1-related conditions. ClinVar contains an entry for this variant (Variation ID: 968019). An algorithm developed to predict the effect of missense changes on protein structure and function (PolyPhen-2) suggests that this variant is likely to be disruptive. In summary, the available evidence is currently insufficient to determine the role of this variant in disease. Therefore, it has been classified as a Variant of Uncertain Significance.